The following is an entry in ClinVar:

ClinVar aggregate classification (germline): Uncertain significance (1 of 4 stars; one submission).

gnomAD v4.1: 1 of 1,613,810 alleles (0.000062%); highest among the groups gnomAD compares: South Asian, 0.0011%; no homozygotes.

Submission:

Labcorp Genetics (formerly Invitae), Labcorp
Classification: Uncertain significance. Last evaluated: 2022-04-08. Review status: criteria provided, single submitter. Criteria: Invitae Variant Classification Sherloc (09022015). Collection method: clinical testing. Allele origin: germline.
Comment: This sequence change replaces alanine, which is neutral and non-polar, with valine, which is neutral and non-polar, at codon 28 of the COL4A2 protein (p.Ala28Val). This variant is not present in population databases (gnomAD no frequency). This variant has not been reported in the literature in individuals affected with COL4A2-related conditions. Advanced modeling of protein sequence and biophysical properties (such as structural, functional, and spatial information, amino acid conservation, physicochemical variation, residue mobility, and thermodynamic stability) performed at Invitae indicates that this missense variant is not expected to disrupt COL4A2 protein function. In summary, the available evidence is currently insufficient to determine the role of this variant in disease. Therefore, it has been classified as a Variant of Uncertain Significance.

NM_001846.4(COL4A2):c.83C>T (p.Ala28Val)

Gene: COL4A2 (collagen type IV alpha 2 chain; plus strand). Cytogenetic location: 13q34.
Variant type: single nucleotide variant.
Coding change: c.83C>T on transcript NM_001846.4 (MANE Select); coding-DNA position 83, C replaced by T.
Protein change: p.Ala28Val; replaces alanine 28 with valine.
Molecular consequence: missense variant.
Genome position (GRCh38, 1-based): chr13:110,308,107, C>T. VCF-style: chr13-110308107-C-T. GRCh37 (hg19) VCF-style: chr13-110960454-C-T.
Other names: short protein forms A28V.
Identifiers: ClinVar variation 2123199 (VCV002123199.4), dbSNP rs2139334592, ClinGen allele CA388733137.